The following is an entry in ClinVar:

ClinVar aggregate classification (germline): Likely benign. Review status: criteria provided, multiple submitters, no conflicts (2 of 4 stars). 2 submissions from 2 submitters: Likely benign (2). Last evaluated 2025-12-30.

Conditions:
HK1-related disorder. Also called: HK1-related disorders; HK1-related condition.

Allele frequency attached by ClinVar (database versions not stated): gnomAD exomes 0.00002 and 0.00004.
gnomAD v4.1: 66 of 1,614,034 alleles (0.0041%); highest among the groups gnomAD compares: Non-Finnish European, 0.0052%; no homozygotes.

Submissions (2):

Labcorp Genetics (formerly Invitae), Labcorp
Classification: Likely benign. Last evaluated: 2025-12-30. Review status: criteria provided, single submitter. Criteria: Invitae Variant Classification Sherloc (09022015). Collection method: clinical testing. Allele origin: germline.

PreventionGenetics, part of Exact Sciences
Classification: Likely benign for HK1-related condition. Last evaluated: 2025-05-12. Review status: criteria provided, single submitter. Criteria: ACMG Guidelines, 2015. Collection method: clinical testing. Allele origin: germline.
Comment: This variant is classified as likely benign based on ACMG/AMP sequence variant interpretation guidelines (Richards et al. 2015 PMID: 25741868, with internal and published modifications).

NM_000188.3(HK1):c.978G>A (p.Pro326=)

Gene: HK1 (hexokinase 1; plus strand). Cytogenetic location: 10q22.1.
Variant type: single nucleotide variant.
Coding change: c.978G>A on transcript NM_000188.3 (MANE Select); coding-DNA position 978, G replaced by A.
Protein change: p.Pro326=; no amino-acid change (proline 326 retained).
Molecular consequence: synonymous variant.
Genome position (GRCh38, 1-based): chr10:69,377,036, G>A. VCF-style: chr10-69377036-G-A. GRCh37 (hg19) VCF-style: chr10-71136792-G-A.
Other names: c.978G>A (NM_000188.2); c.990G>A, p.Pro330= (NM_001322364.2, NM_001358263.1, NM_033497.3 and 1 more transcripts); c.1083G>A, p.Pro361= (NM_001322365.2); c.894G>A, p.Pro298= (NM_001322366.1); c.882G>A, p.Pro294= (NM_001322367.1); c.975G>A, p.Pro325= (NM_033496.3); c.942G>A, p.Pro314= (NM_033500.2).
Identifiers: ClinVar variation 1671725 (VCV001671725.9), dbSNP rs150869156, ClinGen allele CA5532464.